The following is an entry in ClinVar:

NM_000397.4(CYBB):c.950T>C (p.Phe317Ser)

Gene: CYBB (cytochrome b-245 beta chain; plus strand). Cytogenetic location: Xp11.4.
Variant type: single nucleotide variant.
Coding change: c.950T>C on transcript NM_000397.4 (MANE Select); coding-DNA position 950, T replaced by C.
Protein change: p.Phe317Ser; replaces phenylalanine 317 with serine.
Molecular consequence: missense variant.
Genome position (GRCh38, 1-based): chrX:37,803,929, T>C. VCF-style: chrX-37803929-T-C. GRCh37 (hg19) VCF-style: chrX-37663182-T-C.
Other names: short protein forms F317S.
Identifiers: ClinVar variation 3631752 (VCV003631752.2).

ClinVar aggregate classification (germline): Uncertain significance (1 of 4 stars; one submission).

Conditions:
Granulomatous disease, chronic, X-linked. Also called: CYTOCHROME b-NEGATIVE GRANULOMATOUS DISEASE, CHRONIC, X-LINKED; GRANULOMATOUS DISEASE, CHRONIC, X-LINKED, SOMATIC MOSAIC. Identifiers: Orphanet 379, MedGen C1844376, MONDO:0010600, OMIM 306400.

Submission:

Labcorp Genetics (formerly Invitae), Labcorp
Classification: Uncertain significance for Granulomatous disease, chronic, X-linked. Last evaluated: 2024-10-07. Review status: criteria provided, single submitter. Criteria: Invitae Variant Classification Sherloc (09022015). Collection method: clinical testing. Allele origin: germline.
Comment: This sequence change replaces phenylalanine, which is neutral and non-polar, with serine, which is neutral and polar, at codon 317 of the CYBB protein (p.Phe317Ser). This variant is not present in population databases (gnomAD no frequency). This variant has not been reported in the literature in individuals affected with CYBB-related conditions. Invitae Evidence Modeling of protein sequence and biophysical properties (such as structural, functional, and spatial information, amino acid conservation, physicochemical variation, residue mobility, and thermodynamic stability) has been performed for this missense variant. However, the output from this modeling did not meet the statistical confidence thresholds required to predict the impact of this variant on CYBB protein function. In summary, the available evidence is currently insufficient to determine the role of this variant in disease. Therefore, it has been classified as a Variant of Uncertain Significance.